The following is an entry in ClinVar:

ClinVar aggregate classification (germline): Uncertain significance. Review status: criteria provided, single submitter (1 of 4 stars). 2 submissions from 2 submitters: Uncertain significance (1). 1 of the submissions does not count toward it. Last evaluated 2019-08-30.

Conditions:
HNRNPA1-related disorder. Also called: HNRNPA1-related condition.

Allele frequency attached by ClinVar (database versions not stated): gnomAD 0.00001; TOPMed 0.00001; ExAC 0.00002; gnomAD exomes 0.00004.

Submissions (2):

Revvity Omics, Revvity
Classification: Uncertain significance. Last evaluated: 2019-08-30. Review status: criteria provided, single submitter. Criteria: ACMG Guidelines, 2015. Collection method: clinical testing. Allele origin: germline.

PreventionGenetics, part of Exact Sciences
Classification: Uncertain significance for HNRNPA1-related condition. Last evaluated: 2024-02-15. Review status: no assertion criteria provided. Collection method: clinical testing. Allele origin: germline. Not counted in ClinVar's aggregate classification.
Comment: The HNRNPA1 c.649G>A variant is predicted to result in the amino acid substitution p.Gly217Ser. This variant was reported in an individual with amyotrophic lateral sclerosis (Table S2, Liu et al. 2021. PubMed ID: 34275688). This variant is reported in 0.0058% of alleles in individuals of Latino descent in gnomAD. At this time, the clinical significance of this variant is uncertain due to the absence of conclusive functional and genetic evidence.

NM_031157.4(HNRNPA1):c.649G>A (p.Gly217Ser)

Gene: HNRNPA1 (heterogeneous nuclear ribonucleoprotein A1; plus strand). Cytogenetic location: 12q13.13.
Variant type: single nucleotide variant.
Coding change: c.649G>A on transcript NM_031157.4 (MANE Select); coding-DNA position 649, G replaced by A.
Protein change: p.Gly217Ser; replaces glycine 217 with serine.
Molecular consequence: missense variant. On other transcripts: non-coding transcript variant (1).
Genome position (GRCh38, 1-based): chr12:54,282,638, G>A. VCF-style: chr12-54282638-G-A. GRCh37 (hg19) VCF-style: chr12-54676422-G-A.
Other names: c.649G>A, p.Gly217Ser (NM_002136.4); c.649G>A (NM_031157.3); short protein forms G217S.
Identifiers: ClinVar variation 2432503 (VCV002432503.5), dbSNP rs759577941, ClinGen allele CA6606273.